The following is an entry in ClinVar:

NM_002049.4(GATA1):c.485C>T (p.Ala162Val)

Gene: GATA1 (GATA binding protein 1; plus strand). Cytogenetic location: Xp11.23.
Variant type: single nucleotide variant.
Coding change: c.485C>T on transcript NM_002049.4 (MANE Select); coding-DNA position 485, C replaced by T.
Protein change: p.Ala162Val; replaces alanine 162 with valine.
Molecular consequence: missense variant.
Genome position (GRCh38, 1-based): chrX:48,792,108, C>T. VCF-style: chrX-48792108-C-T. GRCh37 (hg19) VCF-style: chrX-48650515-C-T.
Other names: c.485C>T (NM_002049.3); short protein forms A162V.
Identifiers: ClinVar variation 1054698 (VCV001054698.10), dbSNP rs1177167183, ClinGen allele CA412869456.
Genomic context (GRCh38, chrX:48,792,108, plus strand): 5'-GCCCAGACCTCCTGACCCTGGGACCTGCACTGCCTTCATCACTCCCTGTCCCCAATAGTG[C>T]TTATGGGGGCCCTGACTTTTCCAGTACCTTCTTTTCTCCCACCGGGAGCCCCCTCAATTC-3'
Protein context (NP_002040.1, residues 152-172): LPSSLPVPNS[Ala162Val]YGGPDFSSTF

ClinVar aggregate classification (germline): Uncertain significance. Review status: criteria provided, multiple submitters, no conflicts (2 of 4 stars). 2 submissions from 2 submitters: Uncertain significance (2). Last evaluated 2024-03-04.

Conditions:
Diamond-Blackfan anemia. Also called: Blackfan Diamond syndrome; Aregenerative anemia chronic congenital; Red cell aplasia, pure hereditary; Congenital hypoplastic anemia; Aase syndrome. Identifiers: Orphanet 124, MedGen C1260899, MeSH D029503, MONDO:0015253, HP:0004810.
GATA binding protein 1 related thrombocytopenia with dyserythropoiesis. Also called: GATA1-Related X-Linked Cytopenia; GATA1-Related Cytopenia. Identifiers: MedGen C1845837, MONDO:0100089.
Inborn genetic diseases. Identifiers: MedGen C0950123, MeSH D030342.

Allele frequency attached by ClinVar (database versions not stated): gnomAD 0.00001; gnomAD exomes 0.00001; TOPMed 0.00001.

Submissions (2):

Ambry Genetics
Classification: Uncertain significance for Inborn genetic diseases. Last evaluated: 2024-03-04. Review status: criteria provided, single submitter. Criteria: Ambry Variant Classification Scheme 2023. Collection method: clinical testing. Allele origin: germline.

Labcorp Genetics (formerly Invitae), Labcorp
Classification: Uncertain significance for GATA binding protein 1 related thrombocytopenia with dyserythropoiesis; Diamond-Blackfan anemia. Last evaluated: 2023-05-20. Review status: criteria provided, single submitter. Criteria: Invitae Variant Classification Sherloc (09022015). Collection method: clinical testing. Allele origin: germline.
Comment: Advanced modeling of protein sequence and biophysical properties (such as structural, functional, and spatial information, amino acid conservation, physicochemical variation, residue mobility, and thermodynamic stability) performed at Invitae indicates that this missense variant is not expected to disrupt GATA1 protein function. In summary, the available evidence is currently insufficient to determine the role of this variant in disease. Therefore, it has been classified as a Variant of Uncertain Significance. ClinVar contains an entry for this variant (Variation ID: 1054698). This variant has not been reported in the literature in individuals affected with GATA1-related conditions. This variant is present in population databases (no rsID available, gnomAD 0.008%), including at least one homozygous and/or hemizygous individual. This sequence change replaces alanine, which is neutral and non-polar, with valine, which is neutral and non-polar, at codon 162 of the GATA1 protein (p.Ala162Val).